The following is an entry in ClinVar:

ClinVar aggregate classification (germline): Conflicting classifications of pathogenicity. Review status: criteria provided, conflicting classifications (1 of 4 stars). 6 submissions from 6 submitters: Uncertain significance (2); Likely benign (3). 1 of the submissions does not count toward it. Last evaluated 2026-01-11.

Conditions:
NEB-related disorder. Also called: NEB-related condition; NEB-Related Disorders.
Nemaline myopathy 2 (NEM2). Also called: Nemaline myopathy 2, autosomal recessive. Identifiers: MedGen C1850569, MONDO:0009725, OMIM 256030.

Allele frequency attached by ClinVar (database versions not stated): TOPMed 0.00005; ESP Exome Variant Server 0.00008; gnomAD exomes 0.00027 and 0.00064; 1000 Genomes Project 30x 0.00047; ExAC 0.00057; 1000 Genomes Project 0.00060; gnomAD 0.00060 and 0.00061.
gnomAD v4.1: 486 of 1,612,032 alleles (0.03%); highest among the groups gnomAD compares: South Asian, 0.013%; no homozygotes.

Submissions (6):

Labcorp Genetics (formerly Invitae), Labcorp
Classification: Likely benign for Nemaline myopathy 2. Last evaluated: 2026-01-11. Review status: criteria provided, single submitter. Criteria: Invitae Variant Classification Sherloc (09022015). Collection method: clinical testing. Allele origin: germline.

Blueprint Genetics
Classification: Uncertain significance. Last evaluated: 2024-10-14. Review status: criteria provided, single submitter. Criteria: ACMG Guidelines, 2015. Collection method: clinical testing. Allele origin: germline.

Revvity Omics, Revvity
Classification: Likely benign. Last evaluated: 2024-06-06. Review status: criteria provided, single submitter. Criteria: ACMG Guidelines, 2015. Collection method: clinical testing. Allele origin: germline.

GeneDx
Classification: Likely benign. Last evaluated: 2019-07-24. Review status: criteria provided, single submitter. Criteria: GeneDx Variant Classification Process June 2021. Collection method: clinical testing. Allele origin: germline. Affected: yes.

Eurofins Ntd Llc (ga)
Classification: Uncertain significance. Last evaluated: 2015-04-15. Review status: criteria provided, single submitter. Criteria: EGL Classification Definitions 2015. Collection method: clinical testing. Allele origin: germline. Observed: 1 variant allele, 1 heterozygote.

PreventionGenetics, part of Exact Sciences
Classification: Likely benign for NEB-related condition. Last evaluated: 2021-01-12. Review status: no assertion criteria provided. Collection method: clinical testing. Allele origin: germline. Not counted in ClinVar's aggregate classification.
Comment: This variant is classified as likely benign based on ACMG/AMP sequence variant interpretation guidelines (Richards et al. 2015 PMID: 25741868, with internal and published modifications).

NM_001164508.2(NEB):c.20671C>T (p.Leu6891Phe)

Gene: NEB (nebulin; minus strand). Cytogenetic location: 2q23.3.
Variant type: single nucleotide variant.
Coding change: c.20671C>T on transcript NM_001164508.2 (MANE Select); coding-DNA position 20671, C replaced by T.
Protein change: p.Leu6891Phe; replaces leucine 6891 with phenylalanine.
Molecular consequence: missense variant.
Genome position (GRCh38, 1-based): chr2:151,541,458, G>A on the plus strand (C>T on the coding strand, the complement: NEB is on the minus strand). VCF-style: chr2-151541458-G-A. GRCh37 (hg19) VCF-style: chr2-152397972-G-A.
Other names: c.20671C>T, p.Leu6891Phe (NM_001164507.2, NM_001271208.2); c.15568C>T, p.Leu5190Phe (NM_004543.5); short protein forms L6891F, L5190F.
Identifiers: ClinVar variation 193783 (VCV000193783.24), dbSNP rs182866658, ClinGen allele CA239428.